The following is an entry in ClinVar:

ClinVar aggregate classification (germline): Uncertain significance (1 of 4 stars; one submission).

Allele frequency attached by ClinVar (database versions not stated): gnomAD exomes below 0.00001 and 0.00001; TOPMed below 0.00001; ExAC 0.00001; gnomAD 0.00001 and 0.00003.
gnomAD v4.1: 10 of 1,613,894 alleles (0.00062%); highest among the groups gnomAD compares: East Asian, 0.011%; no homozygotes.

Submission:

Labcorp Genetics (formerly Invitae), Labcorp
Classification: Uncertain significance. Last evaluated: 2021-09-26. Review status: criteria provided, single submitter. Criteria: Invitae Variant Classification Sherloc (09022015). Collection method: clinical testing. Allele origin: germline.
Comment: In summary, the available evidence is currently insufficient to determine the role of this variant in disease. Therefore, it has been classified as a Variant of Uncertain Significance. Algorithms developed to predict the effect of missense changes on protein structure and function (SIFT, PolyPhen-2, Align-GVGD) all suggest that this variant is likely to be tolerated. This variant has not been reported in the literature in individuals affected with PAX4-related conditions. This variant is present in population databases (rs534392927, ExAC 0.01%). This sequence change replaces histidine with arginine at codon 148 of the PAX4 protein (p.His148Arg). The histidine residue is highly conserved and there is a small physicochemical difference between histidine and arginine.

NM_001366110.1(PAX4):c.467A>G (p.His156Arg)

Gene: PAX4 (paired box 4; minus strand). Cytogenetic location: 7q32.1.
Variant type: single nucleotide variant.
Coding change: c.467A>G on transcript NM_001366110.1 (MANE Select); coding-DNA position 467, A replaced by G.
Protein change: p.His156Arg; replaces histidine 156 with arginine.
Molecular consequence: missense variant.
Genome position (GRCh38, 1-based): chr7:127,613,851, T>C on the plus strand (A>G on the coding strand, the complement: PAX4 is on the minus strand). VCF-style: chr7-127613851-T-C. GRCh37 (hg19) VCF-style: chr7-127253905-T-C.
Other names: c.467A>G, p.His156Arg (NM_001366111.1); short protein forms H156R.
Identifiers: ClinVar variation 1484638 (VCV001484638.6), dbSNP rs534392927, ClinGen allele CA4468075.